The following is an entry in ClinVar:

ClinVar aggregate classification (germline): Uncertain significance (1 of 4 stars; one submission).

gnomAD v4.1: 2 of 1,613,644 alleles (0.00012%); highest among the groups gnomAD compares: African/African-American, 0.0013%; no homozygotes.

Submission:

Dasa
Classification: Uncertain significance. Last evaluated: 2025-12-05. Review status: criteria provided, single submitter. Criteria: DASA Assertion Criteria. Collection method: clinical testing. Allele origin: germline.
Comment: NM_001330288.2(SMARCC2):c.1981C>T (p.Arg661Cys) is a missense variant that results in the substitution of arginine with cysteine. The affected residue or protein region has prior evidence supporting clinical relevance. This variant is rare in population databases. The currently available literature and clinical evidence are not sufficient to establish a definitive association between this variant and the reported condition. Therefore, this variant is classified as a variant of uncertain significance.

NM_001330288.2(SMARCC2):c.1981C>T (p.Arg661Cys)

Gene: SMARCC2 (SWI/SNF related BAF chromatin remodeling complex subunit C2; minus strand). Cytogenetic location: 12q13.2.
Variant type: single nucleotide variant.
Coding change: c.1981C>T on transcript NM_001330288.2 (MANE Select); coding-DNA position 1981, C replaced by T.
Protein change: p.Arg661Cys; replaces arginine 661 with cysteine.
Molecular consequence: missense variant.
Genome position (GRCh38, 1-based): chr12:56,171,883, G>A on the plus strand (C>T on the coding strand, the complement: SMARCC2 is on the minus strand). VCF-style: chr12-56171883-G-A. GRCh37 (hg19) VCF-style: chr12-56565667-G-A.
Other names: c.1981C>T, p.Arg661Cys (NM_001130420.3, NM_139067.4); c.1888C>T, p.Arg630Cys (NM_003075.5); short protein forms R630C, R661C.
Identifiers: ClinVar variation 5020770 (VCV005020770.1).